The following is an entry in ClinVar:

ClinVar aggregate classification (germline): Uncertain significance (1 of 4 stars; one submission).

Allele frequency attached by ClinVar (database versions not stated): gnomAD 0.00003; TOPMed 0.00009; gnomAD exomes below 0.00001; ExAC 0.00001; ESP Exome Variant Server 0.00008.

Submission:

Labcorp Genetics (formerly Invitae), Labcorp
Classification: Uncertain significance. Last evaluated: 2022-08-23. Review status: criteria provided, single submitter. Criteria: Invitae Variant Classification Sherloc (09022015). Collection method: clinical testing. Allele origin: germline.
Comment: In summary, the available evidence is currently insufficient to determine the role of this variant in disease. Therefore, it has been classified as a Variant of Uncertain Significance. Algorithms developed to predict the effect of missense changes on protein structure and function are either unavailable or do not agree on the potential impact of this missense change (SIFT: "Deleterious"; PolyPhen-2: "Benign"; Align-GVGD: "Class C0"). This missense change has been observed in individual(s) with clinical features of CACNA1G-related conditions (Invitae). This variant is present in population databases (rs374957564, gnomAD 0.0009%). This sequence change replaces aspartic acid, which is acidic and polar, with asparagine, which is neutral and polar, at codon 2350 of the CACNA1G protein (p.Asp2350Asn).

NM_018896.5(CACNA1G):c.7048G>A (p.Asp2350Asn)

Gene: CACNA1G (calcium voltage-gated channel subunit alpha1 G; plus strand). Cytogenetic location: 17q21.33.
Variant type: single nucleotide variant.
Coding change: c.7048G>A on transcript NM_018896.5 (MANE Select); coding-DNA position 7048, G replaced by A.
Protein change: p.Asp2350Asn; replaces aspartic acid 2350 with asparagine.
Molecular consequence: missense variant. On other transcripts: non-coding transcript variant (5).
Genome position (GRCh38, 1-based): chr17:50,626,665, G>A. VCF-style: chr17-50626665-G-A. GRCh37 (hg19) VCF-style: chr17-48704026-G-A.
Other names: c.6859G>A, p.Asp2287Asn (NM_001256324.2); c.6790G>A, p.Asp2264Asn (NM_001256325.2); c.6778G>A, p.Asp2260Asn (NM_001256326.2); c.6748G>A, p.Asp2250Asn (NM_001256327.2); c.6694G>A, p.Asp2232Asn (NM_001256328.2); c.6667G>A, p.Asp2223Asn (NM_001256329.2, NM_198387.3); c.6634G>A, p.Asp2212Asn (NM_001256330.2); c.6613G>A, p.Asp2205Asn (NM_001256331.2); and 18 more; short protein forms D2212N, D2223N, D2239N, D2250N, D2200N, D2221N, D2232N, D2234N.
Identifiers: ClinVar variation 2060830 (VCV002060830.4), dbSNP rs374957564, ClinGen allele CA8653797.